The following is an entry in ClinVar:

ClinVar aggregate classification (germline): Likely benign. Review status: criteria provided, multiple submitters, no conflicts (2 of 4 stars). 2 submissions from 2 submitters: Likely benign (2). Last evaluated 2025-03-27.

Conditions:
Hereditary diffuse leukoencephalopathy with spheroids. Also called: LEUKOENCEPHALOPATHY, ADULT-ONSET, WITH AXONAL SPHEROIDS AND PIGMENTED GLIA. Identifiers: Orphanet 313808, MedGen C3711381, MONDO:0030796.

Allele frequency attached by ClinVar (database versions not stated): gnomAD 0.00001 and 0.00002; gnomAD exomes 0.00001 and 0.00005; TOPMed 0.00001; ExAC 0.00005.

Submissions (2):

Labcorp Genetics (formerly Invitae), Labcorp
Classification: Likely benign. Last evaluated: 2025-03-27. Review status: criteria provided, single submitter. Criteria: Invitae Variant Classification Sherloc (09022015). Collection method: clinical testing. Allele origin: germline.

Illumina Laboratory Services, Illumina
Classification: Likely benign for Leukoencephalopathy, diffuse hereditary, with spheroids 1. Last evaluated: 2018-01-13. Review status: criteria provided, single submitter. Criteria: ICSL Variant Classification Criteria 13 December 2019. Collection method: clinical testing. Allele origin: germline.
Comment: This variant was observed in the ICSL laboratory as part of a predisposition screen in an ostensibly healthy population. It had not been previously curated by ICSL or reported in the Human Gene Mutation Database (HGMD: prior to June 1st, 2018), and was therefore a candidate for classification through an automated scoring system. Utilizing variant allele frequency, disease prevalence and penetrance estimates, and inheritance mode, an automated score was calculated to assess if this variant is too frequent to cause the disease. Based on the score and internal cut-off values, a variant classified as likely benign is not then subjected to further curation. The score for this variant resulted in a classification of likely benign for this disease.

NM_001288705.3(CSF1R):c.1587G>A (p.Leu529=)

Gene: CSF1R (colony stimulating factor 1 receptor; minus strand). Cytogenetic location: 5q32.
Variant type: single nucleotide variant.
Coding change: c.1587G>A on transcript NM_001288705.3 (MANE Select); coding-DNA position 1587, G replaced by A.
Protein change: p.Leu529=; no amino-acid change (leucine 529 retained).
Molecular consequence: synonymous variant. On other transcripts: non-coding transcript variant (2).
Genome position (GRCh38, 1-based): chr5:150,068,254, C>T on the plus strand (G>A on the coding strand, the complement: CSF1R is on the minus strand). VCF-style: chr5-150068254-C-T. GRCh37 (hg19) VCF-style: chr5-149447817-C-T.
Other names: c.1587G>A, p.Leu529= (NM_001349736.2, NM_001375320.1, NM_005211.4); c.1143G>A, p.Leu381= (NM_001375321.1).
Identifiers: ClinVar variation 906436 (VCV000906436.8), dbSNP rs776636931, ClinGen allele CA3506776.